The following is an entry in ClinVar:

NM_000051.4(ATM):c.7727A>G (p.Glu2576Gly)

Genes: ATM (ATM serine/threonine kinase; plus strand), C11orf65 (chromosome 11 open reading frame 65; minus strand). Cytogenetic location: 11q22.3.
Variant type: single nucleotide variant.
Coding change: c.7727A>G on transcript NM_000051.4 (MANE Select); coding-DNA position 7727, A replaced by G.
Protein change: p.Glu2576Gly; replaces glutamic acid 2576 with glycine.
Molecular consequence: missense variant. On other transcripts: intron variant (2).
Genome position (GRCh38, 1-based): chr11:108,331,976, A>G. VCF-style: chr11-108331976-A-G. GRCh37 (hg19) VCF-style: chr11-108202703-A-G.
Other names: c.7727A>G, p.Glu2576Gly (NM_001351834.2); c.641-22905T>C (NM_001330368.2); c.*38+3244T>C (NM_001351110.2); short protein forms E2576G.
Identifiers: ClinVar variation 482739 (VCV000482739.14), dbSNP rs1202657573, ClinGen allele CA382561098.
Genomic context (GRCh38, chr11:108,331,976, plus strand): 5'-CTTTGTTTATTATACTGGCCTTAGCAAATGCAAACAGAGATGAATTTCTGACTAAACCAG[A>G]GGTAGCCAGAAGAAGCAGAATAACTAAAAATGTGCCTAAACAAAGCTCTCAGCTTGATGA-3'
Protein context (NP_000042.3, residues 2566-2586): ANRDEFLTKP[Glu2576Gly]VARRSRITKN

ClinVar aggregate classification (germline): Uncertain significance. Review status: criteria provided, multiple submitters, no conflicts (2 of 4 stars). 4 submissions from 4 submitters: Uncertain significance (3). 1 of the submissions does not count toward it. Last evaluated 2025-11-07.

Conditions:
Hereditary cancer-predisposing syndrome. Also called: Neoplastic Syndromes, Hereditary; Hereditary Cancer Syndrome; Tumor predisposition; Hereditary neoplastic syndrome. Identifiers: Orphanet 140162, MedGen C0027672, MeSH D009386, MONDO:0015356.
Ataxia-telangiectasia syndrome (AT). Also called: LOUIS-BAR SYNDROME; Cerebello-oculocutaneous telangiectasia; Immunodeficiency with ataxia telangiectasia; Ataxia-telangiectasia, complementation group D; AT, COMPLEMENTATION GROUP C; Ataxia-telangiectasia, complementation group E. Identifiers: Orphanet 100, MedGen C0004135, MONDO:0008840, OMIM 208900.

Allele frequency attached by ClinVar (database versions not stated): gnomAD 0.00001; TOPMed 0.00001.
gnomAD v4.1: 1 of 1,613,954 alleles (0.000062%); highest among the groups gnomAD compares: Admixed American, 0.0017%; no homozygotes.

Submissions (4):

Quest Diagnostics Nichols Institute San Juan Capistrano
Classification: Uncertain significance. Last evaluated: 2025-11-07. Review status: criteria provided, single submitter. Criteria: Quest Diagnostics criteria. Collection method: clinical testing. Allele origin: unknown.

Labcorp Genetics (formerly Invitae), Labcorp
Classification: Uncertain significance for Ataxia-telangiectasia syndrome. Last evaluated: 2025-01-06. Review status: criteria provided, single submitter. Criteria: Invitae Variant Classification Sherloc (09022015). Collection method: clinical testing. Allele origin: germline.
Comment: This sequence change replaces glutamic acid, which is acidic and polar, with glycine, which is neutral and non-polar, at codon 2576 of the ATM protein (p.Glu2576Gly). This variant is not present in population databases (gnomAD no frequency). This variant has not been reported in the literature in individuals affected with ATM-related conditions. ClinVar contains an entry for this variant (Variation ID: 482739). Invitae Evidence Modeling of protein sequence and biophysical properties (such as structural, functional, and spatial information, amino acid conservation, physicochemical variation, residue mobility, and thermodynamic stability) indicates that this missense variant is not expected to disrupt ATM protein function with a negative predictive value of 95%. In summary, the available evidence is currently insufficient to determine the role of this variant in disease. Therefore, it has been classified as a Variant of Uncertain Significance.

Ambry Genetics
Classification: Uncertain significance for Hereditary cancer-predisposing syndrome. Last evaluated: 2024-06-26. Review status: criteria provided, single submitter. Criteria: Ambry Variant Classification Scheme 2023. Collection method: clinical testing. Allele origin: germline.
Comment: The p.E2576G variant (also known as c.7727A>G), located in coding exon 51 of the ATM gene, results from an A to G substitution at nucleotide position 7727. The glutamic acid at codon 2576 is replaced by glycine, an amino acid with similar properties. This amino acid position is well conserved in available vertebrate species. In addition, the in silico prediction for this alteration is inconclusive. Since supporting evidence is limited at this time, the clinical significance of this alteration remains unclear.

Natera, Inc.
Classification: Uncertain significance for Ataxia-telangiectasia. Last evaluated: 2021-03-23. Review status: no assertion criteria provided. Collection method: clinical testing. Allele origin: germline. Not counted in ClinVar's aggregate classification.